The following is an entry in ClinVar:

ClinVar aggregate classification (germline): Benign. Review status: criteria provided, multiple submitters, no conflicts (2 of 4 stars). 12 submissions from 12 submitters: Benign (11). 1 of the submissions does not count toward it. Last evaluated 2026-02-04.

Conditions:
Familial sleep-related hypermotor epilepsy. Also called: Autosomal Dominant Sleep-Related Hypermotor (Hyperkinetic) Epilepsy. Identifiers: Orphanet 98784, MedGen C3696898, MONDO:0000030.
Autosomal dominant nocturnal frontal lobe epilepsy 1. Also called: EPILEPSY, NOCTURNAL FRONTAL LOBE, TYPE 1; CHRNA4-Related Nocturnal Frontal Lobe Epilepsy, Autosomal Dominant. Identifiers: Orphanet 98784, MedGen C1838049, MONDO:0010899, OMIM 600513.
Inborn genetic diseases. Identifiers: MedGen C0950123, MeSH D030342.

Allele frequency attached by ClinVar (database versions not stated): 1000 Genomes Project 30x 0.72548; 1000 Genomes Project 0.73383; TOPMed 0.74868; ESP Exome Variant Server 0.75139.
gnomAD v4.1: 1,373,374 of 1,600,374 alleles (86%); highest among the groups gnomAD compares: Admixed American, 89%; 596,316 homozygotes.

Submissions (12):

Labcorp Genetics (formerly Invitae), Labcorp
Classification: Benign. Last evaluated: 2026-02-04. Review status: criteria provided, single submitter. Criteria: Invitae Variant Classification Sherloc (09022015). Collection method: clinical testing. Allele origin: germline.

Blueprint Genetics
Classification: Benign. Last evaluated: 2024-11-28. Review status: criteria provided, single submitter. Criteria: ACMG Guidelines, 2015. Collection method: clinical testing. Allele origin: germline.

Unidad de Genómica Garrahan, Hospital de Pediatría Garrahan
Classification: Benign. Last evaluated: 2024-07-15. Review status: criteria provided, single submitter. Criteria: ACMG Guidelines, 2015. Collection method: clinical testing. Allele origin: germline. Affected: no. Observed: 91 variant alleles.
Comment: This variant is classified as Benign based on local population frequency. This variant was detected in 98% of patients studied in a panel designed for Epileptic and Developmental Encephalopathy and Progressive Myoclonus Epilepsy. Number of patients: 91. Only high quality variants are reported.

Genome-Nilou Lab
Classification: Benign for Autosomal dominant nocturnal frontal lobe epilepsy 1. Last evaluated: 2021-07-22. Review status: criteria provided, single submitter. Criteria: ACMG Guidelines, 2015. Collection method: clinical testing. Allele origin: germline. Affected: no.

Mayo Clinic Laboratories, Mayo Clinic
Classification: Benign. Last evaluated: 2018-04-02. Review status: criteria provided, single submitter. Criteria: ACMG Guidelines, 2015. Collection method: clinical testing. Allele origin: germline. Observed: 514 variant alleles.

Eurofins Ntd Llc (ga)
Classification: Benign. Last evaluated: 2017-06-07. Review status: criteria provided, single submitter. Criteria: EGL Classification Definitions 2015. Collection method: clinical testing. Allele origin: germline. Observed: 78 variant alleles, 23 heterozygotes, 55 homozygotes.

Athena Diagnostics
Classification: Benign for Autosomal dominant nocturnal frontal lobe epilepsy 1. Last evaluated: 2017-05-05. Review status: criteria provided, single submitter. Criteria: Athena Diagnostics Criteria. Collection method: clinical testing. Allele origin: germline.

Ambry Genetics
Classification: Benign for Inborn genetic diseases. Last evaluated: 2016-01-08. Review status: criteria provided, single submitter. Criteria: Ambry Variant Classification Scheme 2023. Collection method: clinical testing. Allele origin: germline.

GeneDx
Classification: Benign. Last evaluated: 2015-03-03. Review status: criteria provided, single submitter. Criteria: GeneDx Variant Classification Process June 2021. Collection method: clinical testing. Allele origin: germline. Affected: yes.

Breakthrough Genomics
Classification: Benign. Review status: criteria provided, single submitter. Criteria: ACMG Guidelines, 2015. Collection method: not provided. Allele origin: germline. Inheritance: Autosomal dominant inheritance. Affected: yes.

PreventionGenetics, part of Exact Sciences
Classification: Benign. Review status: criteria provided, single submitter. Criteria: ACMG Guidelines, 2015. Collection method: clinical testing. Allele origin: germline.

Genetic Services Laboratory, University of Chicago
Classification: Likely benign for AllHighlyPenetrant. Review status: no assertion criteria provided. Collection method: clinical testing. Allele origin: germline. Inheritance: Autosomal dominant inheritance. Not counted in ClinVar's aggregate classification.
Comment: Likely benign based on allele frequency in 1000 Genomes Project or ESP global frequency and its presence in a patient with a rare or unrelated disease phenotype. NOT Sanger confirmed.

NM_000744.7(CHRNA4):c.1209G>T (p.Pro403=)

Gene: CHRNA4 (cholinergic receptor nicotinic alpha 4 subunit; minus strand). Cytogenetic location: 20q13.33.
Variant type: single nucleotide variant.
Coding change: c.1209G>T on transcript NM_000744.7 (MANE Select); coding-DNA position 1209, G replaced by T.
Protein change: p.Pro403=; no amino-acid change (proline 403 retained).
Molecular consequence: synonymous variant. On other transcripts: non-coding transcript variant (1).
Genome position (GRCh38, 1-based): chr20:63,350,202, C>A on the plus strand (G>T on the coding strand, the complement: CHRNA4 is on the minus strand). VCF-style: chr20-63350202-C-A. GRCh37 (hg19) VCF-style: chr20-61981554-C-A.
Other names: p.Pro403=; c.681G>T, p.Pro227= (NM_001256573.2).
Identifiers: ClinVar variation 93424 (VCV000093424.31), dbSNP rs2229959, ClinGen allele CA146961.
Genomic context (GRCh38, chr20:63,350,202, plus strand): 5'-CTTGCAGGAAGGCCCAGGCTCAGCCGGCACATCCAGGGGGACACAGAAGGACGGTGAGGG[C>A]GGGTGCAGGCTCTGGGTGCCGCTCGTGGCAGGGGGCTCCCCTTCTGGCTCGGGCCAGAAG-3'
Protein context (NP_000735.1, residues 393-413): PATSGTQSLH[Pro403=]PSPSFCVPLD